The following is an entry in ClinVar:

NM_005458.8(GABBR2):c.2631T>C (p.Asp877=)

Gene: GABBR2 (gamma-aminobutyric acid type B receptor subunit 2; minus strand). Cytogenetic location: 9q22.33.
Variant type: single nucleotide variant.
Coding change: c.2631T>C on transcript NM_005458.8 (MANE Select); coding-DNA position 2631, T replaced by C.
Protein change: p.Asp877=; no amino-acid change (aspartic acid 877 retained).
Molecular consequence: synonymous variant.
Genome position (GRCh38, 1-based): chr9:98,293,814, A>G on the plus strand (T>C on the coding strand, the complement: GABBR2 is on the minus strand). VCF-style: chr9-98293814-A-G. GRCh37 (hg19) VCF-style: chr9-101056096-A-G.
Other names: p.Asp877=.
Identifiers: ClinVar variation 462134 (VCV000462134.16), dbSNP rs141289569, ClinGen allele CA5152413.

ClinVar aggregate classification (germline): Likely benign. Review status: criteria provided, multiple submitters, no conflicts (2 of 4 stars). 4 submissions from 4 submitters: Likely benign (4). Last evaluated 2026-01-20.

Conditions:
Epileptic encephalopathy. Identifiers: MedGen C0543888, HP:0200134.

Allele frequency attached by ClinVar (database versions not stated): gnomAD exomes 0.00004 and 0.00005; ExAC 0.00005; TOPMed 0.00007; ESP Exome Variant Server 0.00008; gnomAD 0.00011.
gnomAD v4.1: 90 of 1,600,838 alleles (0.0056%); highest among the groups gnomAD compares: Admixed American, 0.022%; no homozygotes.

Submissions (4):

Labcorp Genetics (formerly Invitae), Labcorp
Classification: Likely benign for Epileptic encephalopathy. Last evaluated: 2026-01-20. Review status: criteria provided, single submitter. Criteria: Invitae Variant Classification Sherloc (09022015). Collection method: clinical testing. Allele origin: germline.

Mayo Clinic Laboratories, Mayo Clinic
Classification: Likely benign. Last evaluated: 2025-04-22. Review status: criteria provided, single submitter. Criteria: ACMG Guidelines, 2015. Collection method: clinical testing. Allele origin: germline. Observed: 1 variant allele.
Comment: BP4, BP7

Blueprint Genetics
Classification: Likely benign. Last evaluated: 2024-07-01. Review status: criteria provided, single submitter. Criteria: ACMG Guidelines, 2015. Collection method: clinical testing. Allele origin: germline.

GeneDx
Classification: Likely benign. Last evaluated: 2020-10-16. Review status: criteria provided, single submitter. Criteria: GeneDx Variant Classification Process June 2021. Collection method: clinical testing. Allele origin: germline. Affected: yes.